The following is an entry in ClinVar:

ClinVar aggregate classification (germline): Uncertain significance (1 of 4 stars; one submission).

Conditions:
Cardiovascular phenotype. Identifiers: MedGen CN230736.

Submission:

Ambry Genetics
Classification: Uncertain significance for Cardiovascular phenotype. Last evaluated: 2021-03-29. Review status: criteria provided, single submitter. Criteria: Ambry Variant Classification Scheme 2023. Collection method: clinical testing. Allele origin: germline.
Comment: The p.F765L variant (also known as c.2295T>G), located in coding exon 18 of the ACTN2 gene, results from a T to G substitution at nucleotide position 2295. The phenylalanine at codon 765 is replaced by leucine, an amino acid with highly similar properties. This amino acid position is highly conserved in available vertebrate species. In addition, the in silico prediction for this alteration is inconclusive. Since supporting evidence is limited at this time, the clinical significance of this alteration remains unclear.

NM_001103.4(ACTN2):c.2295T>G (p.Phe765Leu)

Gene: ACTN2 (actinin alpha 2; plus strand). Cytogenetic location: 1q43.
Variant type: single nucleotide variant.
Coding change: c.2295T>G on transcript NM_001103.4 (MANE Select); coding-DNA position 2295, T replaced by G.
Protein change: p.Phe765Leu; replaces phenylalanine 765 with leucine.
Molecular consequence: missense variant.
Genome position (GRCh38, 1-based): chr1:236,757,626, T>G. VCF-style: chr1-236757626-T-G. GRCh37 (hg19) VCF-style: chr1-236920926-T-G.
Other names: c.2295T>G, p.Phe765Leu (NM_001278343.2); c.1671T>G, p.Phe557Leu (NM_001278344.2); c.1545T>G, p.Phe515Leu (NM_001412150.1); short protein forms F557L, F515L, F765L.
Identifiers: ClinVar variation 1789169 (VCV001789169.2), dbSNP rs2527654313, ClinGen allele CA345389334.
Genomic context (GRCh38, chr1:236,757,626, plus strand): 5'-AGATGCGAAGGGCATCACCCAGGAGCAGATGAATGAGTTCAGAGCCTCCTTCAACCACTT[T>G]GACAGGGTACCACTCTCTACTTATTTGAAGGGCAATACTGGGGACATTAAACAATGTATC-3'
Protein context (NP_001094.1, residues 755-775): MNEFRASFNH[Phe765Leu]DRRKNGLMDH